The following is an entry in ClinVar:

NM_004006.3(DMD):c.623G>C (p.Gly208Ala)

Gene: DMD (dystrophin; minus strand). Cytogenetic location: Xp21.1.
Variant type: single nucleotide variant.
Coding change: c.623G>C on transcript NM_004006.3 (MANE Select); coding-DNA position 623, G replaced by C.
Protein change: p.Gly208Ala; replaces glycine 208 with alanine.
Molecular consequence: missense variant.
Genome position (GRCh38, 1-based): chrX:32,809,519, C>G on the plus strand (G>C on the coding strand, the complement: DMD is on the minus strand). VCF-style: chrX-32809519-C-G. GRCh37 (hg19) VCF-style: chrX-32827636-C-G.
Other names: c.599G>C, p.Gly200Ala (NM_000109.4); c.611G>C, p.Gly204Ala (NM_004009.3); c.254G>C, p.Gly85Ala (NM_004010.3); short protein forms G200A, G204A, G208A, G85A.
Identifiers: ClinVar variation 4686803 (VCV004686803.1).

ClinVar aggregate classification (germline): Uncertain significance (1 of 4 stars; one submission).

Submission:

GeneDx
Classification: Uncertain significance. Last evaluated: 2025-07-23. Review status: criteria provided, single submitter. Criteria: GeneDx Variant Classification Process June 2021. Collection method: clinical testing. Allele origin: germline. Affected: yes.
Comment: Not observed at significant frequency in large population cohorts (gnomAD); In silico analysis supports that this missense variant has a deleterious effect on protein structure/function; Missense variant in a gene in which most reported pathogenic variants are truncating/loss of function; Has not been previously published as pathogenic or benign to our knowledge